The following is an entry in ClinVar:

NM_000152.5(GAA):c.2800-227C>G

Gene: GAA (alpha glucosidase; plus strand). Cytogenetic location: 17q25.3.
Variant type: single nucleotide variant.
Coding change: c.2800-227C>G on transcript NM_000152.5 (MANE Select); 227 bases into the intron before coding-DNA position 2800, C replaced by G.
Molecular consequence: intron variant.
Genome position (GRCh38, 1-based): chr17:80,119,045, C>G. VCF-style: chr17-80119045-C-G. GRCh37 (hg19) VCF-style: chr17-78092844-C-G.
Other names: c.2800-227C>G (NM_001406741.1, NM_001406742.1, NM_001079803.3 and 1 more transcripts).
Identifiers: ClinVar variation 4876397 (VCV004876397.1).

ClinVar aggregate classification (germline): Likely benign (1 of 4 stars; one submission).

Conditions:
Glycogen storage disease, type II (IOPD). Also called: Pompe Disease; CARDIOMEGALIA GLYCOGENICA DIFFUSA; GLYCOGENOSIS, GENERALIZED, CARDIAC FORM; GSD II; POMPE DISEASE, INFANTILE-ONSET; GLYCOGEN STORAGE DISEASE II, INFANTILE-ONSET. Identifiers: Orphanet 365, MedGen C0017921, MONDO:0009290, OMIM 232300.

Submission:

Genomenon, Inc
Classification: Likely benign for Glycogen storage disease, type II. Last evaluated: 2026-07-01. Review status: criteria provided, single submitter. Criteria: Genomenon Sequence Variant Interpretation Standards - Updated. Collection method: curation. Allele origin: germline. Affected: no.
Comment: GAA c.2800-227C>G is an intronic variant located in intron 19. This variant has been reported in the published literature (PMID:33560568). It is absent or not present at a significant frequency in gnomAD. This variant is not predicted to impact splicing. In conclusion, we classify GAA c.2800-227C>G as a likely benign variant.

Literature cited by the submitters: PubMed 33560568.